The following is an entry in ClinVar:

NM_020754.4(ARHGAP31):c.598G>A (p.Val200Ile)

Gene: ARHGAP31 (Rho GTPase activating protein 31; plus strand). Cytogenetic location: 3q13.33.
Variant type: single nucleotide variant.
Coding change: c.598G>A on transcript NM_020754.4 (MANE Select); coding-DNA position 598, G replaced by A.
Protein change: p.Val200Ile; replaces valine 200 with isoleucine.
Molecular consequence: missense variant.
Genome position (GRCh38, 1-based): chr3:119,383,142, G>A. VCF-style: chr3-119383142-G-A. GRCh37 (hg19) VCF-style: chr3-119101989-G-A.
Other names: c.598G>A (NM_020754.3); short protein forms V200I.
Identifiers: ClinVar variation 1319700 (VCV001319700.10), dbSNP rs774626312, ClinGen allele CA2553643.

ClinVar aggregate classification (germline): Conflicting classifications of pathogenicity. Review status: criteria provided, conflicting classifications (1 of 4 stars). 5 submissions from 5 submitters: Uncertain significance (4); Likely benign (1). Last evaluated 2026-02-22.

Conditions:
ARHGAP31-related disorder. Also called: ARHGAP31-related condition.
Inborn genetic diseases. Identifiers: MedGen C0950123, MeSH D030342.

Allele frequency attached by ClinVar (database versions not stated): gnomAD exomes 0.00001; gnomAD 0.00007 and 0.00009; ExAC 0.00001; TOPMed 0.00016.
gnomAD v4.1: 26 of 1,614,102 alleles (0.0016%); highest among the groups gnomAD compares: Admixed American, 0.02%; 1 homozygote.

Submissions (5):

PreventionGenetics, part of Exact Sciences
Classification: Uncertain significance for ARHGAP31-related condition. Last evaluated: 2026-02-22. Review status: criteria provided, single submitter. Criteria: ACMG Guidelines, 2015. Collection method: clinical testing. Allele origin: germline.
Comment: The ARHGAP31 c.598G>A variant is predicted to result in the amino acid substitution p.Val200Ile. To our knowledge, this variant has not been reported in the literature. This variant is present in 0.0065% of alleles in individuals of African descent in gnomAD. At this time, the clinical significance of this variant is uncertain due to the absence of conclusive functional and genetic evidence.

Labcorp Genetics (formerly Invitae), Labcorp
Classification: Uncertain significance. Last evaluated: 2024-04-24. Review status: criteria provided, single submitter. Criteria: Invitae Variant Classification Sherloc (09022015). Collection method: clinical testing. Allele origin: germline.
Comment: This sequence change replaces valine, which is neutral and non-polar, with isoleucine, which is neutral and non-polar, at codon 200 of the ARHGAP31 protein (p.Val200Ile). This variant is present in population databases (rs774626312, gnomAD 0.007%). This variant has not been reported in the literature in individuals affected with ARHGAP31-related conditions. ClinVar contains an entry for this variant (Variation ID: 1319700). An algorithm developed to predict the effect of missense changes on protein structure and function (PolyPhen-2) suggests that this variant is likely to be disruptive. In summary, the available evidence is currently insufficient to determine the role of this variant in disease. Therefore, it has been classified as a Variant of Uncertain Significance.

Ambry Genetics
Classification: Uncertain significance for Inborn genetic diseases. Last evaluated: 2023-11-03. Review status: criteria provided, single submitter. Criteria: Ambry Variant Classification Scheme 2023. Collection method: clinical testing. Allele origin: germline.

Institute for Clinical Genetics, University Hospital TU Dresden, University Hospital TU Dresden
Classification: Uncertain significance. Last evaluated: 2021-11-03. Review status: criteria provided, single submitter. Criteria: ACMG Guidelines, 2015. Collection method: clinical testing. Allele origin: germline.

Blueprint Genetics
Classification: Likely benign. Last evaluated: 2021-07-15. Review status: criteria provided, single submitter. Criteria: ACMG Guidelines, 2015. Collection method: clinical testing. Allele origin: germline.